The following is an entry in ClinVar:

ClinVar aggregate classification (germline): Likely benign. Review status: criteria provided, multiple submitters, no conflicts (2 of 4 stars). 5 submissions from 5 submitters: Likely benign (5). Last evaluated 2026-09-08.

Conditions:
Fabry disease. Also called: GLA DEFICIENCY; HEREDITARY DYSTOPIC LIPIDOSIS; Fabry's disease; Angiokeratoma corporis diffusum; Ceramide trihexosidosis; ALPHA-GALACTOSIDASE A DEFICIENCY. Identifiers: Orphanet 324, MedGen C0002986, MONDO:0010526, OMIM 301500, HP:0001071. Disease mechanism: loss of function, Fabry disease is due to inactivating mutations in the X-linked GLA gene resulting in deficiency of the enzyme Alpha Galactosidase-A..
Cardiovascular phenotype. Identifiers: MedGen CN230736.

Allele frequency attached by ClinVar (database versions not stated): gnomAD exomes below 0.00001 and 0.00002; ExAC 0.00001; gnomAD 0.00002; TOPMed 0.00003.
gnomAD v4.1: 7 of 1,200,998 alleles (0.00058%); highest among the groups gnomAD compares: Admixed American, 0.013%; no homozygotes.

Submissions (5):

Genomenon, Inc
Classification: Likely benign for Fabry disease. Last evaluated: 2026-09-08. Review status: criteria provided, single submitter. Criteria: Genomenon Sequence Variant Interpretation Standards - Updated. Collection method: curation. Allele origin: germline. Affected: yes.
Comment: GLA c.195T>C is a synonymous variant that retains Serine at codon 65. This variant has been observed in at least one proband with clinical features consistent with Fabry disease (PMID:29305833). It is absent or not present at a significant frequency in gnomAD. This variant is not predicted to impact splicing. In conclusion, we classify GLA p.Ser65= (c.195T>C) as a likely benign variant.

Ambry Genetics
Classification: Likely benign for Cardiovascular phenotype. Last evaluated: 2025-12-04. Review status: criteria provided, single submitter. Criteria: Ambry Variant Classification Scheme 2023. Collection method: clinical testing. Allele origin: germline.

Labcorp Genetics (formerly Invitae), Labcorp
Classification: Likely benign for Fabry disease. Last evaluated: 2025-11-15. Review status: criteria provided, single submitter. Criteria: Invitae Variant Classification Sherloc (09022015). Collection method: clinical testing. Allele origin: germline.

Color Diagnostics, LLC DBA Color Health
Classification: Likely benign for Fabry disease. Last evaluated: 2021-01-19. Review status: criteria provided, single submitter. Criteria: ACMG Guidelines, 2015. Collection method: clinical testing. Allele origin: germline.

GeneDx
Classification: Likely benign. Last evaluated: 2019-05-24. Review status: criteria provided, single submitter. Criteria: GeneDx Variant Classification Process June 2021. Collection method: clinical testing. Allele origin: germline. Affected: yes.
Comment: This variant is associated with the following publications: (PMID: 29305833)

Literature cited by the submitters: PubMed 29305833 (cited by Genomenon, Inc).

NM_000169.3(GLA):c.195T>C (p.Ser65=)

Genes: GLA (galactosidase alpha; minus strand), RPL36A-HNRNPH2 (RPL36A-HNRNPH2 readthrough; plus strand). Cytogenetic location: Xq22.1.
Variant type: single nucleotide variant.
Coding change: c.195T>C on transcript NM_000169.3 (MANE Select); coding-DNA position 195, T replaced by C.
Protein change: p.Ser65=; no amino-acid change (serine 65 retained).
Molecular consequence: synonymous variant. On other transcripts: non-coding transcript variant (3), intron variant (2).
Genome position (GRCh38, 1-based): chrX:101,403,985, A>G on the plus strand (T>C on the coding strand, the complement: GLA is on the minus strand). VCF-style: chrX-101403985-A-G. GRCh37 (hg19) VCF-style: chrX-100658973-A-G.
Other names: c.318T>C, p.Ser106= (NM_001406747.1, NM_001406749.1); c.195T>C, p.Ser65= (NM_001406748.1); c.301-7951A>G (NM_001199973.2); c.178-7951A>G (NM_001199974.2).
Identifiers: ClinVar variation 222195 (VCV000222195.24), dbSNP rs782803696, ClinGen allele CA030398.